The following is an entry in ClinVar:

NM_000051.4(ATM):c.8740A>T (p.Ile2914Phe)

Genes: ATM (ATM serine/threonine kinase; plus strand), C11orf65 (chromosome 11 open reading frame 65; minus strand). Cytogenetic location: 11q22.3.
Variant type: single nucleotide variant.
Coding change: c.8740A>T on transcript NM_000051.4 (MANE Select); coding-DNA position 8740, A replaced by T.
Protein change: p.Ile2914Phe; replaces isoleucine 2914 with phenylalanine.
Molecular consequence: missense variant. On other transcripts: intron variant (2).
Genome position (GRCh38, 1-based): chr11:108,353,834, A>T. VCF-style: chr11-108353834-A-T. GRCh37 (hg19) VCF-style: chr11-108224561-A-T.
Other names: c.8740A>T, p.Ile2914Phe (NM_001351834.2); c.640+32086T>A (NM_001330368.2); c.695-18542T>A (NM_001351110.2); short protein forms I2914F.
Identifiers: ClinVar variation 1764513 (VCV001764513.6), dbSNP rs371530553, ClinGen allele CA6266432.
Genomic context (GRCh38, chr11:108,353,834, plus strand): 5'-TTTGAACAGGGCAAAATCCTTCCTACTCCTGAGACAGTTCCTTTTAGACTCACCAGAGAT[A>T]TTGTGGATGGCATGGGCATTACGGGTGTTGAAGGTGTCTTCAGAAGGTAAGTGATATGAA-3'
Protein context (NP_000042.3, residues 2904-2924): ETVPFRLTRD[Ile2914Phe]VDGMGITGVE

ClinVar aggregate classification (germline): Uncertain significance. Review status: criteria provided, multiple submitters, no conflicts (2 of 4 stars). 2 submissions from 2 submitters: Uncertain significance (2). Last evaluated 2025-09-22.

Conditions:
Ataxia-telangiectasia syndrome (AT). Also called: Ataxia telangiectasia (A-T); LOUIS-BAR SYNDROME; Cerebello-oculocutaneous telangiectasia; Immunodeficiency with ataxia telangiectasia; Ataxia-telangiectasia, complementation group D; AT, COMPLEMENTATION GROUP C. Identifiers: Orphanet 100, MedGen C0004135, MONDO:0008840, OMIM 208900.
Hereditary cancer-predisposing syndrome. Also called: Hereditary neoplastic syndrome; Neoplastic Syndromes, Hereditary; Tumor predisposition; Hereditary Cancer Syndrome. Identifiers: Orphanet 140162, MedGen C0027672, MeSH D009386, MONDO:0015356.

Allele frequency attached by ClinVar (database versions not stated): ESP Exome Variant Server 0.00008; ExAC 0.00001.

Submissions (2):

Labcorp Genetics (formerly Invitae), Labcorp
Classification: Uncertain significance for Ataxia-telangiectasia syndrome. Last evaluated: 2025-09-22. Review status: criteria provided, single submitter. Criteria: Invitae Variant Classification Sherloc (09022015). Collection method: clinical testing. Allele origin: germline.
Comment: This sequence change replaces isoleucine, which is neutral and non-polar, with phenylalanine, which is neutral and non-polar, at codon 2914 of the ATM protein (p.Ile2914Phe). This variant is not present in population databases (gnomAD no frequency). This variant has not been reported in the literature in individuals affected with ATM-related conditions. ClinVar contains an entry for this variant (Variation ID: 1764513). Invitae Evidence Modeling of protein sequence and biophysical properties (such as structural, functional, and spatial information, amino acid conservation, physicochemical variation, residue mobility, and thermodynamic stability) has been performed for this missense variant. However, the output from this modeling did not meet the statistical confidence thresholds required to predict the impact of this variant on ATM protein function. In summary, the available evidence is currently insufficient to determine the role of this variant in disease. Therefore, it has been classified as a Variant of Uncertain Significance.

Ambry Genetics
Classification: Uncertain significance for Hereditary cancer-predisposing syndrome. Last evaluated: 2024-11-06. Review status: criteria provided, single submitter. Criteria: Ambry Variant Classification Scheme 2023. Collection method: clinical testing. Allele origin: germline.
Comment: The p.I2914F variant (also known as c.8740A>T), located in coding exon 59 of the ATM gene, results from an A to T substitution at nucleotide position 8740. The isoleucine at codon 2914 is replaced by phenylalanine, an amino acid with highly similar properties. This amino acid position is highly conserved in available vertebrate species. In addition, this alteration is predicted to be deleterious by in silico analysis. Based on the available evidence, the clinical significance of this variant remains unclear.